The following is an entry in ClinVar:

NM_001099289.3(SH3RF3):c.89G>A (p.Arg30Gln)

Genes: RANBP2 (RAN binding protein 2; plus strand), SH3RF3 (SH3 domain containing ring finger 3; plus strand), SH3RF3-AS1 (SH3RF3 antisense RNA 1; minus strand). Cytogenetic location: 2q13.
Variant type: single nucleotide variant.
Coding change: c.89G>A on transcript NM_001099289.3 (MANE Select); coding-DNA position 89, G replaced by A.
Protein change: p.Arg30Gln; replaces arginine 30 with glutamine.
Molecular consequence: missense variant. On other transcripts: non-coding transcript variant (1).
Genome position (GRCh38, 1-based): chr2:109,129,629, G>A. VCF-style: chr2-109129629-G-A. GRCh37 (hg19) VCF-style: chr2-109746085-G-A.
Other names: short protein forms R30Q.
Identifiers: ClinVar variation 4583327 (VCV004583327.1).

ClinVar aggregate classification (germline): Uncertain significance (1 of 4 stars; one submission).

gnomAD v4.1: 2 of 1,492,766 alleles (0.00013%); highest among the groups gnomAD compares: Non-Finnish European, 0.00018%; no homozygotes.

Submission:

Ambry Genetics
Classification: Uncertain significance. Last evaluated: 2025-11-27. Review status: criteria provided, single submitter. Criteria: Ambry Variant Classification Scheme 2023. Collection method: clinical testing. Allele origin: germline.
Comment: The c.89G>A (p.R30Q) alteration is located in exon (coding exon ) of the SH3RF3 gene. This alteration results from a G to A substitution at nucleotide position 89, causing the arginine (R) at amino acid position 30 to be replaced by a glutamine (Q). Based on insufficient or conflicting evidence, the clinical significance of this alteration remains unclear.